The following is an entry in ClinVar:

NM_000211.5(ITGB2):c.2058C>G (p.Leu686=)

Gene: ITGB2 (integrin subunit beta 2; minus strand). Cytogenetic location: 21q22.3.
Variant type: single nucleotide variant.
Coding change: c.2058C>G on transcript NM_000211.5 (MANE Select); coding-DNA position 2058, C replaced by G.
Protein change: p.Leu686=; no amino-acid change (leucine 686 retained).
Molecular consequence: synonymous variant.
Genome position (GRCh38, 1-based): chr21:44,888,715, G>C on the plus strand (C>G on the coding strand, the complement: ITGB2 is on the minus strand). VCF-style: chr21-44888715-G-C. GRCh37 (hg19) VCF-style: chr21-46308630-G-C.
Other names: c.2058C>G, p.Leu686= (NM_001127491.3); c.1851C>G, p.Leu617= (NM_001303238.2).
Identifiers: ClinVar variation 731288 (VCV000731288.16), dbSNP rs117884186, ClinGen allele CA10062596.

ClinVar aggregate classification (germline): Benign/Likely benign. Review status: criteria provided, multiple submitters, no conflicts (2 of 4 stars). 4 submissions from 4 submitters: Benign (2); Likely benign (2). Last evaluated 2026-01-23.

Conditions:
Leukocyte adhesion deficiency 1 (LAD1). Also called: LEUKOCYTE ADHESION DEFICIENCY, TYPE I; LAD 1; Lymphocyte function-associated antigen 1 immunodeficiency; LFA 1 immunodeficiency. Identifiers: Orphanet 2968, Orphanet 99842, MedGen C0398738, MONDO:0007293, OMIM 116920.

Allele frequency attached by ClinVar (database versions not stated): ESP Exome Variant Server 0.00008; TOPMed 0.00075; gnomAD 0.00119; 1000 Genomes Project 30x 0.00281; 1000 Genomes Project 0.00339.
gnomAD v4.1: 1,931 of 1,610,024 alleles (0.12%); highest among the groups gnomAD compares: East Asian, 2.5%; 28 homozygotes.

Submissions (4):

Women's Health and Genetics/Laboratory Corporation of America, LabCorp
Classification: Likely benign. Last evaluated: 2026-01-23. Review status: criteria provided, single submitter. Criteria: LabCorp Variant Classification Summary - May 2015. Collection method: clinical testing. Allele origin: germline.

Labcorp Genetics (formerly Invitae), Labcorp
Classification: Benign for Leukocyte adhesion deficiency 1. Last evaluated: 2026-01-18. Review status: criteria provided, single submitter. Criteria: Invitae Variant Classification Sherloc (09022015). Collection method: clinical testing. Allele origin: germline.

Blueprint Genetics
Classification: Likely benign. Last evaluated: 2024-11-27. Review status: criteria provided, single submitter. Criteria: ACMG Guidelines, 2015. Collection method: clinical testing. Allele origin: germline.

Illumina Laboratory Services, Illumina
Classification: Benign for Leukocyte adhesion deficiency 1. Last evaluated: 2018-01-12. Review status: criteria provided, single submitter. Criteria: ICSL Variant Classification Criteria 13 December 2019. Collection method: clinical testing. Allele origin: germline.
Comment: This variant was observed in the ICSL laboratory as part of a predisposition screen in an ostensibly healthy population. It had not been previously curated by ICSL or reported in the Human Gene Mutation Database (HGMD: prior to June 1st, 2018), and was therefore a candidate for classification through an automated scoring system. Utilizing variant allele frequency, disease prevalence and penetrance estimates, and inheritance mode, an automated score was calculated to assess if this variant is too frequent to cause the disease. Based on the score and internal cut-off values, a variant classified as benign is not then subjected to further curation. The score for this variant resulted in a classification of benign for this disease.